The following is an entry in ClinVar:

ClinVar aggregate classification (germline): Uncertain significance. Review status: criteria provided, multiple submitters, no conflicts (2 of 4 stars). 2 submissions from 2 submitters: Uncertain significance (2). Last evaluated 2026-01-26.

Submissions (2):

Labcorp Genetics (formerly Invitae), Labcorp
Classification: Uncertain significance. Last evaluated: 2026-01-26. Review status: criteria provided, single submitter. Criteria: Invitae Variant Classification Sherloc (09022015). Collection method: clinical testing. Allele origin: germline.
Comment: This sequence change replaces alanine, which is neutral and non-polar, with threonine, which is neutral and polar, at codon 2 of the ARID1A protein (p.Ala2Thr). The frequency data for this variant in the population databases is considered unreliable, as metrics indicate insufficient coverage at this position in the gnomAD database. This variant has not been reported in the literature in individuals affected with ARID1A-related conditions. ClinVar contains an entry for this variant (Variation ID: 1708876). Invitae Evidence Modeling of protein sequence and biophysical properties (such as structural, functional, and spatial information, amino acid conservation, physicochemical variation, residue mobility, and thermodynamic stability) indicates that this missense variant is not expected to disrupt ARID1A protein function with a negative predictive value of 95%. In summary, the available evidence is currently insufficient to determine the role of this variant in disease. Therefore, it has been classified as a Variant of Uncertain Significance.

GeneDx
Classification: Uncertain significance. Last evaluated: 2023-06-15. Review status: criteria provided, single submitter. Criteria: GeneDx Variant Classification Process June 2021. Collection method: clinical testing. Allele origin: germline. Affected: yes.
Comment: Has not been previously published as pathogenic or benign to our knowledge; Not observed at significant frequency in large population cohorts (gnomAD); In silico analysis supports that this missense variant does not alter protein structure/function

NM_006015.6(ARID1A):c.4G>A (p.Ala2Thr)

Gene: ARID1A (AT-rich interaction domain 1A; plus strand). Cytogenetic location: 1p36.11.
Variant type: single nucleotide variant.
Coding change: c.4G>A on transcript NM_006015.6 (MANE Select); coding-DNA position 4, G replaced by A.
Protein change: p.Ala2Thr; replaces alanine 2 with threonine.
Molecular consequence: missense variant.
Genome position (GRCh38, 1-based): chr1:26,696,407, G>A. VCF-style: chr1-26696407-G-A. GRCh37 (hg19) VCF-style: chr1-27022898-G-A.
Other names: c.4G>A, p.Ala2Thr (NM_139135.4); short protein forms A2T.
Identifiers: ClinVar variation 1708876 (VCV001708876.8), dbSNP rs1333869920, ClinGen allele CA339264182.